The following is an entry in ClinVar:

NM_007186.6(CEP250):c.6532C>G (p.Leu2178Val)

Gene: CEP250 (centrosomal protein 250; plus strand). Cytogenetic location: 20q11.22.
Variant type: single nucleotide variant.
Coding change: c.6532C>G on transcript NM_007186.6 (MANE Select); coding-DNA position 6532, C replaced by G.
Protein change: p.Leu2178Val; replaces leucine 2178 with valine.
Molecular consequence: missense variant.
Genome position (GRCh38, 1-based): chr20:35,504,901, C>G. VCF-style: chr20-35504901-C-G. GRCh37 (hg19) VCF-style: chr20-34092729-C-G.
Other names: c.4636C>G, p.Leu1546Val (NM_001318219.1); short protein forms L1546V, L2178V.
Identifiers: ClinVar variation 1036721 (VCV001036721.7), dbSNP rs369913865, ClinGen allele CA314161949.

ClinVar aggregate classification (germline): Uncertain significance (1 of 4 stars; one submission).

Allele frequency attached by ClinVar (database versions not stated): TOPMed 0.00001; ESP Exome Variant Server 0.00008.
gnomAD v4.1: 1 of 1,614,086 alleles (0.000062%); highest among the groups gnomAD compares: African/African-American, 0.0013%; no homozygotes.

Submission:

Labcorp Genetics (formerly Invitae), Labcorp
Classification: Uncertain significance. Last evaluated: 2020-01-30. Review status: criteria provided, single submitter. Criteria: Invitae Variant Classification Sherloc (09022015). Collection method: clinical testing. Allele origin: germline.
Comment: In summary, the available evidence is currently insufficient to determine the role of this variant in disease. Therefore, it has been classified as a Variant of Uncertain Significance. Algorithms developed to predict the effect of missense changes on protein structure and function are either unavailable or do not agree on the potential impact of this missense change (SIFT: "Not Available"; PolyPhen-2: "Benign"; Align-GVGD: "Not Available"). This variant has not been reported in the literature in individuals with CEP250-related conditions. This variant is not present in population databases (ExAC no frequency). This sequence change replaces leucine with valine at codon 2178 of the CEP250 protein (p.Leu2178Val). The leucine residue is moderately conserved and there is a small physicochemical difference between leucine and valine.